The following is an entry in ClinVar:

ClinVar aggregate classification (germline): Likely benign (1 of 4 stars; one submission).

gnomAD v4.1: 278 of 1,613,810 alleles (0.017%); highest among the groups gnomAD compares: African/African-American, 0.32%; no homozygotes.

Submission:

CeGaT Center for Human Genetics Tuebingen
Classification: Likely benign. Last evaluated: 2026-04-01. Review status: criteria provided, single submitter. Criteria: CeGaT Center For Human Genetics Tuebingen Variant Classification Criteria Version 2. Collection method: clinical testing. Allele origin: germline. Affected: yes. Observed: 2 variant alleles.
Comment: ATP9A: BP4, BP7

NM_006045.3(ATP9A):c.1494C>T (p.Ser498=)

Gene: ATP9A (ATPase phospholipid transporting 9A; minus strand). Cytogenetic location: 20q13.2.
Variant type: single nucleotide variant.
Coding change: c.1494C>T on transcript NM_006045.3 (MANE Select); coding-DNA position 1494, C replaced by T.
Protein change: p.Ser498=; no amino-acid change (serine 498 retained).
Molecular consequence: synonymous variant.
Genome position (GRCh38, 1-based): chr20:51,656,950, G>A on the plus strand (C>T on the coding strand, the complement: ATP9A is on the minus strand). VCF-style: chr20-51656950-G-A. GRCh37 (hg19) VCF-style: chr20-50273489-G-A.
Identifiers: ClinVar variation 4681510 (VCV004681510.5).